The following is an entry in ClinVar:

ClinVar aggregate classification (germline): Uncertain significance (1 of 4 stars; one submission).

Allele frequency attached by ClinVar (database versions not stated): TOPMed below 0.00001.

Submission:

Labcorp Genetics (formerly Invitae), Labcorp
Classification: Uncertain significance. Last evaluated: 2022-04-11. Review status: criteria provided, single submitter. Criteria: Invitae Variant Classification Sherloc (09022015). Collection method: clinical testing. Allele origin: germline.
Comment: This sequence change replaces isoleucine, which is neutral and non-polar, with valine, which is neutral and non-polar, at codon 425 of the VPS13C protein (p.Ile425Val). In summary, the available evidence is currently insufficient to determine the role of this variant in disease. Therefore, it has been classified as a Variant of Uncertain Significance. Algorithms developed to predict the effect of missense changes on protein structure and function output the following: SIFT: "Tolerated"; PolyPhen-2: "Benign"; Align-GVGD: "Class C0". The valine amino acid residue is found in multiple mammalian species, which suggests that this missense change does not adversely affect protein function. This variant has not been reported in the literature in individuals affected with VPS13C-related conditions. This variant is not present in population databases (gnomAD no frequency).

NM_020821.3(VPS13C):c.1273A>G (p.Ile425Val)

Gene: VPS13C (vacuolar protein sorting 13 homolog C; minus strand). Cytogenetic location: 15q22.2.
Variant type: single nucleotide variant.
Coding change: c.1273A>G on transcript NM_020821.3 (MANE Select); coding-DNA position 1273, A replaced by G.
Protein change: p.Ile425Val; replaces isoleucine 425 with valine.
Molecular consequence: missense variant.
Genome position (GRCh38, 1-based): chr15:62,007,325, T>C on the plus strand (A>G on the coding strand, the complement: VPS13C is on the minus strand). VCF-style: chr15-62007325-T-C. GRCh37 (hg19) VCF-style: chr15-62299524-T-C.
Other names: c.1273A>G, p.Ile425Val (NM_001018088.3); c.1144A>G, p.Ile382Val (NM_017684.5, NM_018080.4); short protein forms I425V, I382V.
Identifiers: ClinVar variation 2113134 (VCV002113134.4), dbSNP rs1243741775, ClinGen allele CA392687730.